The following is an entry in ClinVar:

NM_001354930.2(RIPK1):c.1544C>T (p.Pro515Leu)

Gene: RIPK1 (receptor interacting serine/threonine kinase 1; plus strand). Cytogenetic location: 6p25.2.
Variant type: single nucleotide variant.
Coding change: c.1544C>T on transcript NM_001354930.2 (MANE Select); coding-DNA position 1544, C replaced by T.
Protein change: p.Pro515Leu; replaces proline 515 with leucine.
Molecular consequence: missense variant.
Genome position (GRCh38, 1-based): chr6:3,106,019, C>T. VCF-style: chr6-3106019-C-T. GRCh37 (hg19) VCF-style: chr6-3106253-C-T.
Other names: c.1055C>T, p.Pro352Leu (NM_001317061.3, NM_001354932.2, NM_001354933.2 and 1 more transcripts); c.1406C>T, p.Pro469Leu (NM_001354931.2); c.1544C>T, p.Pro515Leu (NM_003804.6); c.1544C>T (NM_003804.3); short protein forms P515L, P352L, P469L.
Identifiers: ClinVar variation 2713178 (VCV002713178.4), dbSNP rs1348121811, ClinGen allele CA362573918.

ClinVar aggregate classification (germline): Uncertain significance. Review status: criteria provided, multiple submitters, no conflicts (2 of 4 stars). 2 submissions from 2 submitters: Uncertain significance (2). Last evaluated 2025-07-29.

Conditions:
Inborn genetic diseases. Identifiers: MedGen C0950123, MeSH D030342.

Allele frequency attached by ClinVar (database versions not stated): gnomAD 0.00001; TOPMed 0.00001.
gnomAD v4.1: 6 of 1,610,372 alleles (0.00037%); highest among the groups gnomAD compares: Non-Finnish European, 0.00051%; no homozygotes.

Submissions (2):

Labcorp Genetics (formerly Invitae), Labcorp
Classification: Uncertain significance. Last evaluated: 2025-07-29. Review status: criteria provided, single submitter. Criteria: Invitae Variant Classification Sherloc (09022015). Collection method: clinical testing. Allele origin: germline.
Comment: This sequence change replaces proline, which is neutral and non-polar, with leucine, which is neutral and non-polar, at codon 515 of the RIPK1 protein (p.Pro515Leu). This variant is present in population databases (no rsID available, gnomAD 0.01%). This variant has not been reported in the literature in individuals affected with RIPK1-related conditions. ClinVar contains an entry for this variant (Variation ID: 2713178). An algorithm developed to predict the effect of missense changes on protein structure and function (PolyPhen-2) suggests that this variant is likely to be disruptive. In summary, the available evidence is currently insufficient to determine the role of this variant in disease. Therefore, it has been classified as a Variant of Uncertain Significance.

Ambry Genetics
Classification: Uncertain significance for Inborn genetic diseases. Last evaluated: 2025-04-11. Review status: criteria provided, single submitter. Criteria: Ambry Variant Classification Scheme 2023. Collection method: clinical testing. Allele origin: germline.